The following is an entry in ClinVar:

ClinVar aggregate classification (germline): Benign/Likely benign. Review status: criteria provided, multiple submitters, no conflicts (2 of 4 stars). 13 submissions from 10 submitters: Benign (10); Likely benign (1). 2 of the submissions do not count toward it. Last evaluated 2026-02-04.

Conditions:
Age related macular degeneration 9. Identifiers: MedGen C1969651, MONDO:0012659, OMIM 611378.
Atypical hemolytic-uremic syndrome with C3 anomaly. Also called: AHUS, SUSCEPTIBILITY TO, 5. Identifiers: Orphanet 2134, MedGen C2752037, MONDO:0013043, OMIM 612925.
Atypical hemolytic-uremic syndrome. Identifiers: Orphanet 2134, MedGen C2931788, MONDO:0016244.
Complement component 3 deficiency. Identifiers: Orphanet 280133, MedGen C3151071, MONDO:0013417, OMIM 613779.
C3 glomerulonephritis. Also called: C3 GLOMERULOPATHY 3; Nephropathy due to CFHR5 Deficiency. Identifiers: Orphanet 329931, MedGen C4055342, MONDO:0013892, OMIM 614809.

Allele frequency attached by ClinVar (database versions not stated): gnomAD exomes 0.63577 and 0.67363; ESP Exome Variant Server 0.64701; gnomAD 0.65502 and 0.66065; ExAC 0.66642; TOPMed 0.67489; 1000 Genomes Project 30x 0.72845; 1000 Genomes Project 0.73243.
gnomAD v4.1: 1,018,866 of 1,595,750 alleles (64%); highest among the groups gnomAD compares: East Asian, 86%; 329,713 homozygotes.

Submissions (13):

Labcorp Genetics (formerly Invitae), Labcorp
Classification: Benign. Last evaluated: 2026-02-04. Review status: criteria provided, single submitter. Criteria: Invitae Variant Classification Sherloc (09022015). Collection method: clinical testing. Allele origin: germline.

Women's Health and Genetics/Laboratory Corporation of America, LabCorp
Classification: Benign. Last evaluated: 2026-01-21. Review status: criteria provided, single submitter. Criteria: LabCorp Variant Classification Summary - May 2015. Collection method: clinical testing. Allele origin: germline.

Genomenon, Inc
Classification: Benign for Complement component 3 deficiency; C3 glomerulonephritis; Atypical hemolytic-uremic syndrome. Last evaluated: 2025-09-30. Review status: criteria provided, single submitter. Criteria: Genomenon Sequence Variant Interpretation Standards. Collection method: curation. Allele origin: germline. Affected: no.
Comment: C3 p.Val807= (c.2421G>C) is a synonymous variant that retains Valine at residue 807. This variant is present at high allele frequency in population databases. In conclusion, we classify C3 p.Val807= (c.2421G>C) as a benign variant.

Blueprint Genetics
Classification: Likely benign. Last evaluated: 2024-11-28. Review status: criteria provided, single submitter. Criteria: ACMG Guidelines, 2015. Collection method: clinical testing. Allele origin: germline.

Mayo Clinic Laboratories, Mayo Clinic
Classification: Benign. Last evaluated: 2022-03-10. Review status: criteria provided, single submitter. Criteria: ACMG Guidelines, 2015. Collection method: clinical testing. Allele origin: germline. Observed: 2,908 variant alleles.

Genome-Nilou Lab
Classification: Benign for Complement component 3 deficiency. Last evaluated: 2021-07-14. Review status: criteria provided, single submitter. Criteria: ACMG Guidelines, 2015. Collection method: clinical testing. Allele origin: germline. Affected: no.

Genome-Nilou Lab
Classification: Benign for Age related macular degeneration 9. Last evaluated: 2021-07-14. Review status: criteria provided, single submitter. Criteria: ACMG Guidelines, 2015. Collection method: clinical testing. Allele origin: germline. Affected: no.

Illumina Laboratory Services, Illumina
Classification: Benign for Atypical hemolytic-uremic syndrome with C3 anomaly. Last evaluated: 2018-01-12. Review status: criteria provided, single submitter. Criteria: ICSL Variant Classification Criteria 13 December 2019. Collection method: clinical testing. Allele origin: germline.
Comment: This variant was observed in the ICSL laboratory as part of a predisposition screen in an ostensibly healthy population. It had not been previously curated by ICSL or reported in the Human Gene Mutation Database (HGMD: prior to June 1st, 2018), and was therefore a candidate for classification through an automated scoring system. Utilizing variant allele frequency, disease prevalence and penetrance estimates, and inheritance mode, an automated score was calculated to assess if this variant is too frequent to cause the disease. Based on the score and internal cut-off values, a variant classified as benign is not then subjected to further curation. The score for this variant resulted in a classification of benign for this disease.

Illumina Laboratory Services, Illumina
Classification: Benign for Age related macular degeneration 9. Last evaluated: 2018-01-12. Review status: criteria provided, single submitter. Criteria: ICSL Variant Classification Criteria 13 December 2019. Collection method: clinical testing. Allele origin: germline.
Comment: the same text as in the submission from Illumina Laboratory Services, Illumina above.

Illumina Laboratory Services, Illumina
Classification: Benign for Complement component 3 deficiency. Last evaluated: 2018-01-12. Review status: criteria provided, single submitter. Criteria: ICSL Variant Classification Criteria 13 December 2019. Collection method: clinical testing. Allele origin: germline.
Comment: the same text as in the submission from Illumina Laboratory Services, Illumina above.

Breakthrough Genomics
Classification: Benign. Review status: criteria provided, single submitter. Criteria: ACMG Guidelines, 2015. Collection method: not provided. Allele origin: germline. Inheritance: Autosomal recessive inheritance. Affected: yes.

Diagnostic Laboratory, Department of Genetics, University Medical Center Groningen
Classification: Benign. Review status: no assertion criteria provided. Collection method: clinical testing. Allele origin: germline. Affected: yes. Study: VKGL Data-share Consensus. Not counted in ClinVar's aggregate classification.

Joint Genome Diagnostic Labs from Nijmegen and Maastricht, Radboudumc and MUMC+
Classification: Benign. Review status: no assertion criteria provided. Collection method: clinical testing. Allele origin: germline. Affected: yes. Study: VKGL Data-share Consensus. Not counted in ClinVar's aggregate classification.

NM_000064.4(C3):c.2421G>C (p.Val807=)

Gene: C3 (complement C3; minus strand). Cytogenetic location: 19p13.3.
Variant type: single nucleotide variant.
Coding change: c.2421G>C on transcript NM_000064.4 (MANE Select); coding-DNA position 2421, G replaced by C.
Protein change: p.Val807=; no amino-acid change (valine 807 retained).
Molecular consequence: synonymous variant.
Genome position (GRCh38, 1-based): chr19:6,702,146, C>G on the plus strand (G>C on the coding strand, the complement: C3 is on the minus strand). VCF-style: chr19-6702146-C-G. GRCh37 (hg19) VCF-style: chr19-6702157-C-G.
Other names: p.Val807=; c.2421G>C (LRG_27t1).
Identifiers: ClinVar variation 330305 (VCV000330305.25), dbSNP rs428453, ClinGen allele CA9129090.